The following is an entry in ClinVar:

NM_198525.3(KIF7):c.3109G>A (p.Glu1037Lys)

Gene: KIF7 (kinesin family member 7; minus strand). Cytogenetic location: 15q26.1.
Variant type: single nucleotide variant.
Coding change: c.3109G>A on transcript NM_198525.3 (MANE Select); coding-DNA position 3109, G replaced by A.
Protein change: p.Glu1037Lys; replaces glutamic acid 1037 with lysine.
Molecular consequence: missense variant.
Genome position (GRCh38, 1-based): chr15:89,631,497, C>T on the plus strand (G>A on the coding strand, the complement: KIF7 is on the minus strand). VCF-style: chr15-89631497-C-T. GRCh37 (hg19) VCF-style: chr15-90174728-C-T.
Other names: short protein forms E1037K.
Identifiers: ClinVar variation 1003097 (VCV001003097.5), dbSNP rs779514045, ClinGen allele CA7727831.
Genomic context (GRCh38, chr15:89,631,497, plus strand): 5'-AGCAGACAGACAGGCATACAATGGCACCAAGGGGCTGAGCCATGGGGCCGCAGGGTACCT[C>T]GGGGGACAGCAGACTCCCCTGCCTCAGCTTGCCGTCGATCTCCAGGCGCTGCTTGAGCAG-3'
Protein context (NP_940927.2, residues 1027-1047): KLRQGSLLSP[Glu1037Lys]EERTLFQLDE

ClinVar aggregate classification (germline): Uncertain significance. Review status: criteria provided, multiple submitters, no conflicts (2 of 4 stars). 2 submissions from 2 submitters: Uncertain significance (2). Last evaluated 2024-03-27.

Conditions:
Acrocallosal syndrome (ACLS). Also called: HALLUX DUPLICATION, POSTAXIAL POLYDACTYLY, AND ABSENCE OF CORPUS CALLOSUM; Schinzel syndrome 1; Absence of corpus callosum with unusual facial appearance, mental deficiency, duplication of the halluces and polydactyly. Identifiers: Orphanet 36, MedGen C0796147, MONDO:0008708, OMIM 200990.
Multiple epiphyseal dysplasia, Al-Gazali type. Also called: Macrocephaly with multiple epiphyseal dysplasia and distinctive facies. Identifiers: Orphanet 166024, MedGen C1846722, MONDO:0011778, OMIM 607131.
Hydrolethalus syndrome 2 (HLS2). Identifiers: Orphanet 2189, MedGen C3279899, MONDO:0013585, OMIM 614120.

Allele frequency attached by ClinVar (database versions not stated): gnomAD 0.00001; gnomAD exomes 0.00002 and 0.00004; TOPMed 0.00006; ExAC 0.00012.
gnomAD v4.1: 30 of 1,570,220 alleles (0.0019%); highest among the groups gnomAD compares: East Asian, 0.007%; no homozygotes.

Submissions (2):

Fulgent Genetics
Classification: Uncertain significance for Acrocallosal syndrome; Multiple epiphyseal dysplasia, Al-Gazali type; Hydrolethalus syndrome 2. Last evaluated: 2024-03-27. Review status: criteria provided, single submitter. Criteria: ACMG Guidelines, 2015. Collection method: clinical testing. Allele origin: germline.

Labcorp Genetics (formerly Invitae), Labcorp
Classification: Uncertain significance for Acrocallosal syndrome. Last evaluated: 2022-03-09. Review status: criteria provided, single submitter. Criteria: Invitae Variant Classification Sherloc (09022015). Collection method: clinical testing. Allele origin: germline.
Comment: This sequence change replaces glutamic acid, which is acidic and polar, with lysine, which is basic and polar, at codon 1037 of the KIF7 protein (p.Glu1037Lys). The frequency data for this variant in the population databases is considered unreliable, as metrics indicate poor data quality at this position in the gnomAD database. This variant has not been reported in the literature in individuals affected with KIF7-related conditions. ClinVar contains an entry for this variant (Variation ID: 1003097). Algorithms developed to predict the effect of missense changes on protein structure and function are either unavailable or do not agree on the potential impact of this missense change (SIFT: "Deleterious"; PolyPhen-2: "Possibly Damaging"; Align-GVGD: "Class C0"). In summary, the available evidence is currently insufficient to determine the role of this variant in disease. Therefore, it has been classified as a Variant of Uncertain Significance.